The following is an entry in ClinVar:

NM_001267550.2(TTN):c.104521C>T (p.Arg34841Cys)

Genes: TTN (titin; minus strand), TTN-AS1 (TTN antisense RNA 1; plus strand). Cytogenetic location: 2q31.2.
Variant type: single nucleotide variant.
Coding change: c.104521C>T on transcript NM_001267550.2 (MANE Select); coding-DNA position 104521, C replaced by T.
Protein change: p.Arg34841Cys; replaces arginine 34841 with cysteine.
Molecular consequence: missense variant.
Genome position (GRCh38, 1-based): chr2:178,532,094, G>A on the plus strand (C>T on the coding strand, the complement: TTN is on the minus strand). VCF-style: chr2-178532094-G-A. GRCh37 (hg19) VCF-style: chr2-179396821-G-A.
Other names: p.R33200C:CGC>TGC; c.99598C>T, p.Arg33200Cys (NM_001256850.1); c.77326C>T, p.Arg25776Cys (NM_003319.4); c.96817C>T, p.Arg32273Cys (NM_133378.4); c.77701C>T, p.Arg25901Cys (NM_133432.3); c.77902C>T, p.Arg25968Cys (NM_133437.4); short protein forms R33200C, R34841C, R32273C, R25776C, R25901C, R25968C.
Identifiers: ClinVar variation 203083 (VCV000203083.2), dbSNP rs778321427, ClinGen allele CA311187.

ClinVar aggregate classification (germline): Uncertain significance (1 of 4 stars; one submission).

Allele frequency attached by ClinVar (database versions not stated): gnomAD exomes 0.00004 and 0.00006; ExAC 0.00002; gnomAD 0.00003; TOPMed 0.00003.
gnomAD v4.1: 29 of 1,613,772 alleles (0.0018%); highest among the groups gnomAD compares: Admixed American, 0.025%; no homozygotes.

Submission:

GeneDx
Classification: Uncertain significance. Last evaluated: 2017-03-15. Review status: criteria provided, single submitter. Criteria: GeneDx Variant Classification (06012015). Collection method: clinical testing. Allele origin: germline. Affected: yes.
Comment: Missense variants in the TTN gene are considered 'unclassified' if they are not previously reported in the literature and do not have >1% frequency in the population to be considered a polymorphism. Research indicates that truncating variants in the TTN gene are expected to account for approximately 25% of familial and 18% of sporadic idiopathic DCM; however, truncating variants in the TTN gene have been reported in approximately 3% of reported control alleles. There has been little investigation into non-truncating variants. (Herman D et al. Truncations of titin causing dilated cardiomyopathy. N Eng J Med 366:619-628, 2012) Therefore, based on the currently available information, it is unclear whether this variant is a pathogenic variant or a rare benign variant.